The following is an entry in ClinVar:

NM_006231.4(POLE):c.3578G>A (p.Arg1193Lys)

Gene: POLE (DNA polymerase epsilon, catalytic subunit; minus strand). Cytogenetic location: 12q24.33.
Variant type: single nucleotide variant.
Coding change: c.3578G>A on transcript NM_006231.4 (MANE Select); coding-DNA position 3578, G replaced by A.
Protein change: p.Arg1193Lys; replaces arginine 1193 with lysine.
Molecular consequence: missense variant.
Genome position (GRCh38, 1-based): chr12:132,657,140, C>T on the plus strand (G>A on the coding strand, the complement: POLE is on the minus strand). VCF-style: chr12-132657140-C-T. GRCh37 (hg19) VCF-style: chr12-133233726-C-T.
Other names: short protein forms R1193K.
Identifiers: ClinVar variation 1373023 (VCV001373023.6), dbSNP rs1304882702, ClinGen allele CA387388298.
Genomic context (GRCh38, chr12:132,657,140, plus strand): 5'-GAGTCCTGTGTGTCACAAGGATCCCGCCCAGCCCAGCCTTGGGGCCCCACCGTCACCTGT[C>T]TCCTGCCCTCCAGGGTGAAGAGCTCACTGATCTTCTTCTGCTTGTAGACATCATTCTTCT-3'
Protein context (NP_006222.2, residues 1183-1203): ISELFTLEGR[Arg1193Lys]QVTMAEASED

ClinVar aggregate classification (germline): Uncertain significance (1 of 4 stars; one submission).

Allele frequency attached by ClinVar (database versions not stated): TOPMed below 0.00001.

Submission:

Labcorp Genetics (formerly Invitae), Labcorp
Classification: Uncertain significance. Last evaluated: 2022-10-25. Review status: criteria provided, single submitter. Criteria: Invitae Variant Classification Sherloc (09022015). Collection method: clinical testing. Allele origin: germline.
Comment: In summary, the available evidence is currently insufficient to determine the role of this variant in disease. Therefore, it has been classified as a Variant of Uncertain Significance. Advanced modeling of protein sequence and biophysical properties (such as structural, functional, and spatial information, amino acid conservation, physicochemical variation, residue mobility, and thermodynamic stability) performed at Invitae indicates that this missense variant is not expected to disrupt POLE protein function. ClinVar contains an entry for this variant (Variation ID: 1373023). This variant has not been reported in the literature in individuals affected with POLE-related conditions. This variant is not present in population databases (gnomAD no frequency). This sequence change replaces arginine, which is basic and polar, with lysine, which is basic and polar, at codon 1193 of the POLE protein (p.Arg1193Lys).